The following is an entry in ClinVar:

NM_002582.4(PARN):c.293A>G (p.Asn98Ser)

Gene: PARN (poly(A)-specific ribonuclease; minus strand). Cytogenetic location: 16p13.12.
Variant type: single nucleotide variant.
Coding change: c.293A>G on transcript NM_002582.4 (MANE Select); coding-DNA position 293, A replaced by G.
Protein change: p.Asn98Ser; replaces asparagine 98 with serine.
Molecular consequence: missense variant. On other transcripts: intron variant (1).
Genome position (GRCh38, 1-based): chr16:14,627,140, T>C on the plus strand (A>G on the coding strand, the complement: PARN is on the minus strand). VCF-style: chr16-14627140-T-C. GRCh37 (hg19) VCF-style: chr16-14720997-T-C.
Other names: c.110A>G, p.Asn37Ser (NM_001134477.3); c.159-4A>G (NM_001242992.2); short protein forms N37S, N98S.
Identifiers: ClinVar variation 3414178 (VCV003414178.3).

ClinVar aggregate classification (germline): Conflicting classifications of pathogenicity. Review status: criteria provided, conflicting classifications (1 of 4 stars). 2 submissions from 2 submitters: Uncertain significance (1); Likely benign (1). Last evaluated 2025-07-21.

Conditions:
Dyskeratosis congenita, autosomal recessive 6 (DKCB6). Identifiers: MedGen C4225356, MONDO:0014600, OMIM 616353.
Pulmonary fibrosis and/or bone marrow failure, Telomere-related, 4. Also called: PULMONARY FIBROSIS AND/OR BONE MARROW FAILURE SYNDROME, TELOMERE-RELATED, 4. Identifiers: Orphanet 2032, MedGen C4225347, MONDO:0014612, OMIM 616371.
Inborn genetic diseases. Identifiers: MedGen C0950123, MeSH D030342.

gnomAD v4.1: 16 of 1,606,162 alleles (0.001%); highest among the groups gnomAD compares: African/African-American, 0.0027%; no homozygotes.

Submissions (2):

Labcorp Genetics (formerly Invitae), Labcorp
Classification: Uncertain significance for Dyskeratosis congenita, autosomal recessive 6; Pulmonary fibrosis and/or bone marrow failure, Telomere-related, 4. Last evaluated: 2025-07-21. Review status: criteria provided, single submitter. Criteria: Invitae Variant Classification Sherloc (09022015). Collection method: clinical testing. Allele origin: germline.
Comment: This sequence change replaces asparagine, which is neutral and polar, with serine, which is neutral and polar, at codon 98 of the PARN protein (p.Asn98Ser). This variant is present in population databases (no rsID available, gnomAD 0.005%). This variant has not been reported in the literature in individuals affected with PARN-related conditions. ClinVar contains an entry for this variant (Variation ID: 3414178). Invitae Evidence Modeling of protein sequence and biophysical properties (such as structural, functional, and spatial information, amino acid conservation, physicochemical variation, residue mobility, and thermodynamic stability) indicates that this missense variant is not expected to disrupt PARN protein function with a negative predictive value of 80%. In summary, the available evidence is currently insufficient to determine the role of this variant in disease. Therefore, it has been classified as a Variant of Uncertain Significance.

Ambry Genetics
Classification: Likely benign for Inborn genetic diseases. Last evaluated: 2024-09-02. Review status: criteria provided, single submitter. Criteria: Ambry Variant Classification Scheme 2023. Collection method: clinical testing. Allele origin: germline.